The following is an entry in ClinVar:

ClinVar aggregate classification (germline): Uncertain significance. Review status: criteria provided, multiple submitters, no conflicts (2 of 4 stars). 2 submissions from 2 submitters: Uncertain significance (2). Last evaluated 2026-06-25.

Conditions:
ERBIN-related disorder. Also called: ERBIN-related condition.

Allele frequency attached by ClinVar (database versions not stated): ExAC 0.00002; gnomAD 0.00005; TOPMed 0.00006; gnomAD exomes 0.00010.
gnomAD v4.1: 159 of 1,597,960 alleles (0.01%); highest among the groups gnomAD compares: Non-Finnish European, 0.012%; no homozygotes.

Submissions (2):

PreventionGenetics, part of Exact Sciences
Classification: Uncertain significance for ERBIN-related condition. Last evaluated: 2026-06-25. Review status: criteria provided, single submitter. Criteria: ACMG Guidelines, 2015. Collection method: clinical testing. Allele origin: germline.
Comment: The ERBIN c.1760A>G variant is predicted to result in the amino acid substitution p.His587Arg. To our knowledge, this variant has not been reported in the literature. This variant is reported in 0.0055% of alleles in individuals of European (Non-Finnish) descent in gnomAD. At this time, the clinical significance of this variant is uncertain due to the absence of conclusive functional and genetic evidence.

Labcorp Genetics (formerly Invitae), Labcorp
Classification: Uncertain significance. Last evaluated: 2025-10-26. Review status: criteria provided, single submitter. Criteria: Invitae Variant Classification Sherloc (09022015). Collection method: clinical testing. Allele origin: germline.
Comment: This sequence change replaces histidine, which is basic and polar, with arginine, which is basic and polar, at codon 587 of the ERBIN protein (p.His587Arg). This variant is present in population databases (rs775760525, gnomAD 0.006%). This variant has not been reported in the literature in individuals affected with ERBIN-related conditions. ClinVar contains an entry for this variant (Variation ID: 2144329). An algorithm developed to predict the effect of missense changes on protein structure and function (PolyPhen-2) suggests that this variant is likely to be tolerated. In summary, the available evidence is currently insufficient to determine the role of this variant in disease. Therefore, it has been classified as a Variant of Uncertain Significance.

NM_001253697.2(ERBIN):c.1760A>G (p.His587Arg)

Gene: ERBIN (erbb2 interacting protein; plus strand). Cytogenetic location: 5q12.3.
Variant type: single nucleotide variant.
Coding change: c.1760A>G on transcript NM_001253697.2 (MANE Select); coding-DNA position 1760, A replaced by G.
Protein change: p.His587Arg; replaces histidine 587 with arginine.
Molecular consequence: missense variant.
Genome position (GRCh38, 1-based): chr5:66,046,510, A>G. VCF-style: chr5-66046510-A-G. GRCh37 (hg19) VCF-style: chr5-65342338-A-G.
Other names: c.1760A>G (NM_001006600.2); c.1760A>G, p.His587Arg (NM_001006600.3, NM_001253698.2, NM_001253699.2 and 1 more transcripts); c.1748A>G, p.His583Arg (NM_001253701.2); short protein forms H587R, H583R.
Identifiers: ClinVar variation 2144329 (VCV002144329.6), dbSNP rs775760525, ClinGen allele CA3286327.